The following is an entry in ClinVar:

ClinVar aggregate classification (germline): Pathogenic (1 of 4 stars; one submission).

Conditions:
Short-rib thoracic dysplasia 10 with or without polydactyly (SRTD10). Identifiers: Orphanet 474, MedGen C3810175, MONDO:0014284, OMIM 615630.
Retinitis pigmentosa 71 (RP71). Identifiers: Orphanet 791, MedGen C4225342, MONDO:0014618, OMIM 616394.

Submission:

Labcorp Genetics (formerly Invitae), Labcorp
Classification: Pathogenic for Retinitis pigmentosa 71; Short-rib thoracic dysplasia 10 with or without polydactyly. Last evaluated: 2022-09-28. Review status: criteria provided, single submitter. Criteria: Invitae Variant Classification Sherloc (09022015). Collection method: clinical testing. Allele origin: germline.
Comment: This sequence change creates a premature translational stop signal (p.Glu1498Glyfs*4) in the IFT172 gene. It is expected to result in an absent or disrupted protein product. Loss-of-function variants in IFT172 are known to be pathogenic (PMID: 24140113). This variant is not present in population databases (gnomAD no frequency). This variant has not been reported in the literature in individuals affected with IFT172-related conditions. For these reasons, this variant has been classified as Pathogenic.

Literature cited by the submitters: PubMed 24140113.

NM_015662.3(IFT172):c.4493_4494del (p.Glu1498fs)

Gene: IFT172 (intraflagellar transport 172; minus strand). Cytogenetic location: 2p23.3.
Variant type: Deletion.
Coding change: c.4493_4494del on transcript NM_015662.3 (MANE Select); coding-DNA positions 4493 to 4494, 2 bases deleted (AG; older notation c.4493_4494delAG).
Protein change: p.Glu1498fs; shifts the reading frame from glutamic acid 1498.
Molecular consequence: frameshift variant.
Genome position (GRCh38, 1-based): chr2:27,447,857-27,447,858, CT deleted on the plus strand (AG on the coding strand, the reverse complement: IFT172 is on the minus strand); deleting any 2 consecutive bases within chr2:27,447,857-27,447,859 gives the same sequence; the c. name uses the placement nearest the transcript's 3' end. VCF-style (leftmost placement, unchanged base first): chr2-27447856-CCT-C. GRCh37 (hg19) VCF-style: chr2-27670723-CCT-C.
Other names: c.4426_4427delGA, p.Glu1476Glyfs (NM_001410739.1); short protein forms E1498fs.
Identifiers: ClinVar variation 2033144 (VCV002033144.4), dbSNP rs2465805898, ClinGen allele CA2580066227.